The following is an entry in ClinVar:

ClinVar aggregate classification (germline): Uncertain significance (1 of 4 stars; one submission).

Allele frequency attached by ClinVar (database versions not stated): ExAC 0.00001.

Submission:

GeneDx
Classification: Uncertain significance. Last evaluated: 2022-09-01. Review status: criteria provided, single submitter. Criteria: GeneDx Variant Classification Process June 2021. Collection method: clinical testing. Allele origin: germline. Affected: yes.
Comment: In silico analysis supports that this missense variant does not alter protein structure/function; Has not been previously published as pathogenic or benign to our knowledge

NM_001244008.2(KIF1A):c.2356A>G (p.Thr786Ala)

Gene: KIF1A (kinesin family member 1A; minus strand). Cytogenetic location: 2q37.3.
Variant type: single nucleotide variant.
Coding change: c.2356A>G on transcript NM_001244008.2 (MANE Select); coding-DNA position 2356, A replaced by G.
Protein change: p.Thr786Ala; replaces threonine 786 with alanine.
Molecular consequence: missense variant.
Genome position (GRCh38, 1-based): chr2:240,760,753, T>C on the plus strand (A>G on the coding strand, the complement: KIF1A is on the minus strand). VCF-style: chr2-240760753-T-C. GRCh37 (hg19) VCF-style: chr2-241700170-T-C.
Other names: c.2356A>G, p.Thr786Ala (NM_001320705.2, NM_001330289.2, NM_001379638.1); c.2431A>G, p.Thr811Ala (NM_001330290.2, NM_001379631.1, NM_001379634.1 and 2 more transcripts); c.2329A>G, p.Thr777Ala (NM_001379632.1, NM_001379633.1, NM_001379636.1 and 11 more transcripts); c.2404A>G, p.Thr802Ala (NM_001379637.1, NM_001379648.1); short protein forms T777A, T786A, T802A, T811A.
Identifiers: ClinVar variation 2442665 (VCV002442665.1), dbSNP rs754256851, ClinGen allele CA2208119.